The following is an entry in ClinVar:

ClinVar aggregate classification (germline): Uncertain significance (1 of 4 stars; one submission).

Conditions:
Duchenne muscular dystrophy (DMD). Also called: MUSCULAR DYSTROPHY, PSEUDOHYPERTROPHIC PROGRESSIVE, DUCHENNE TYPE; Duchenne Muscular Dystrophy (DMD). Identifiers: Orphanet 98896, MedGen C0013264, MONDO:0010679, OMIM 310200.

Allele frequency attached by ClinVar (database versions not stated): gnomAD exomes below 0.00001; ExAC 0.00001; TOPMed 0.00001.
gnomAD v4.1: 3 of 1,210,197 alleles (0.00025%); highest among the groups gnomAD compares: Non-Finnish European, 0.00034%; no homozygotes.

Submission:

Labcorp Genetics (formerly Invitae), Labcorp
Classification: Uncertain significance for Duchenne muscular dystrophy. Last evaluated: 2022-03-23. Review status: criteria provided, single submitter. Criteria: Invitae Variant Classification Sherloc (09022015). Collection method: clinical testing. Allele origin: germline.
Comment: This sequence change replaces valine, which is neutral and non-polar, with alanine, which is neutral and non-polar, at codon 1688 of the DMD protein (p.Val1688Ala). This variant is present in population databases (rs753173718, gnomAD 0.001%). This variant has not been reported in the literature in individuals affected with DMD-related conditions. Algorithms developed to predict the effect of missense changes on protein structure and function (SIFT, PolyPhen-2, Align-GVGD) all suggest that this variant is likely to be tolerated. In summary, the available evidence is currently insufficient to determine the role of this variant in disease. Therefore, it has been classified as a Variant of Uncertain Significance.

NM_004006.3(DMD):c.5063T>C (p.Val1688Ala)

Gene: DMD (dystrophin; minus strand). Cytogenetic location: Xp21.1.
Variant type: single nucleotide variant.
Coding change: c.5063T>C on transcript NM_004006.3 (MANE Select); coding-DNA position 5063, T replaced by C.
Protein change: p.Val1688Ala; replaces valine 1688 with alanine.
Molecular consequence: missense variant.
Genome position (GRCh38, 1-based): chrX:32,364,673, A>G on the plus strand (T>C on the coding strand, the complement: DMD is on the minus strand). VCF-style: chrX-32364673-A-G. GRCh37 (hg19) VCF-style: chrX-32382790-A-G.
Other names: c.5039T>C, p.Val1680Ala (NM_000109.4); c.5051T>C, p.Val1684Ala (NM_004009.3); c.4694T>C, p.Val1565Ala (NM_004010.3); c.1040T>C, p.Val347Ala (NM_004011.4); c.1031T>C, p.Val344Ala (NM_004012.4); short protein forms V1565A, V1688A, V347A, V1680A, V1684A, V344A.
Identifiers: ClinVar variation 2052437 (VCV002052437.1), dbSNP rs753173718, ClinGen allele CA10378781.